The following is an entry in ClinVar:

NM_000070.3(CAPN3):c.1782+2T>C

Gene: CAPN3 (calpain 3; plus strand). Cytogenetic location: 15q15.1.
Variant type: single nucleotide variant.
Coding change: c.1782+2T>C on transcript NM_000070.3 (MANE Select); the canonical splice donor site of the intron after coding-DNA position 1782, T replaced by C.
Molecular consequence: splice donor variant.
Genome position (GRCh38, 1-based): chr15:42,403,779, T>C. VCF-style: chr15-42403779-T-C. GRCh37 (hg19) VCF-style: chr15-42695977-T-C.
Other names: c.246+2T>C (NM_173088.2); c.1782+2T>C (NM_024344.2); c.1638+2T>C (NM_173087.2).
Identifiers: ClinVar variation 1345765 (VCV001345765.9), dbSNP rs754930571, ClinGen allele CA7511502.

ClinVar aggregate classification (germline): Likely pathogenic. Review status: criteria provided, multiple submitters, no conflicts (2 of 4 stars). 2 submissions from 2 submitters: Likely pathogenic (2). Last evaluated 2026-03-13.

Conditions:
Autosomal recessive limb-girdle muscular dystrophy type 2A (LGMDR1). Also called: LEYDEN-MOEBIUS MUSCULAR DYSTROPHY; MUSCULAR DYSTROPHY, PELVOFEMORAL; Limb-girdle muscular dystrophy, type 2A; Calpainopathy; Muscular dystrophy, limb-girdle, type 2A, Amish. Identifiers: Orphanet 267, MedGen C1869123, MONDO:0009675, OMIM 253600. Disease mechanism: loss of function.

Allele frequency attached by ClinVar (database versions not stated): gnomAD exomes below 0.00001 and 0.00001; ExAC 0.00001.
gnomAD v4.1: 3 of 1,613,722 alleles (0.00019%); highest among the groups gnomAD compares: Non-Finnish European, 0.00025%; no homozygotes.

Submissions (2):

Myriad Genetics, Inc.
Classification: Likely pathogenic for Autosomal recessive limb-girdle muscular dystrophy type 2A. Last evaluated: 2026-03-13. Review status: criteria provided, single submitter. Criteria: Myriad Autosomal Dominant, Autosomal Recessive and X-Linked Classification Criteria (2023). Collection method: clinical testing. Allele origin: unknown.
Comment: NM_000070.2(CAPN3):c.1782+2T>C is a variant in a canonical splice site classified as likely pathogenic in the context of calpainopathy. c.1782+2T>C has not been observed in cases with relevant disease. Relevant functional assessments of this variant are not available in the literature. c.1782+2T>C has been observed in referenced population frequency databases. In summary, NM_000070.2(CAPN3):c.1782+2T>C is a variant in a canonical splice site in a gene where loss of function is a known mechanism of disease and is predicted to disrupt protein function. Please note: this variant was assessed in the context of healthy population screening.

Labcorp Genetics (formerly Invitae), Labcorp
Classification: Likely pathogenic for Autosomal recessive limb-girdle muscular dystrophy type 2A. Last evaluated: 2022-04-26. Review status: criteria provided, single submitter. Criteria: Invitae Variant Classification Sherloc (09022015). Collection method: clinical testing. Allele origin: germline.
Comment: Disruption of this splice site has been observed in individual(s) with clinical features of autosomal recessive limb-girdle muscular dystrophy (PMID: 31268554). This variant is present in population databases (rs754930571, gnomAD 0.0009%). This sequence change affects a donor splice site in intron 14 of the CAPN3 gene. It is expected to disrupt RNA splicing. Variants that disrupt the donor or acceptor splice site typically lead to a loss of protein function (PMID: 16199547), and loss-of-function variants in CAPN3 are known to be pathogenic (PMID: 10330340, 15689361). In summary, the currently available evidence indicates that the variant is pathogenic, but additional data are needed to prove that conclusively. Therefore, this variant has been classified as Likely Pathogenic. Algorithms developed to predict the effect of sequence changes on RNA splicing suggest that this variant may disrupt the consensus splice site.

Literature cited by the submitters: PubMed 31268554 (cited by Labcorp Genetics (formerly Invitae), Labcorp); PubMed 16199547 (cited by Labcorp Genetics (formerly Invitae), Labcorp); PubMed 10330340 (cited by Labcorp Genetics (formerly Invitae), Labcorp); PubMed 15689361 (cited by Labcorp Genetics (formerly Invitae), Labcorp).